The following is an entry in ClinVar:

ClinVar aggregate classification (germline): Conflicting classifications of pathogenicity. Review status: criteria provided, conflicting classifications (1 of 4 stars). 5 submissions from 5 submitters: Uncertain significance (3); Likely benign (2). Last evaluated 2026-01-26.

Conditions:
Cardiovascular phenotype. Identifiers: MedGen CN230736.
CACNB2-related disorder. Also called: CACNB2-related condition.
Brugada syndrome 4 (BRGDA4). Identifiers: Orphanet 130, MedGen C2678477, MONDO:0012743, OMIM 611876.

Allele frequency attached by ClinVar (database versions not stated): gnomAD exomes 0.00005; ExAC 0.00006; ESP Exome Variant Server 0.00015; TOPMed 0.00015; gnomAD 0.00018 and 0.00019; 1000 Genomes Project 0.00020; 1000 Genomes Project 30x 0.00031.
gnomAD v4.1: 122 of 1,613,932 alleles (0.0076%); highest among the groups gnomAD compares: African/African-American, 0.053%; no homozygotes.

Submissions (5):

Labcorp Genetics (formerly Invitae), Labcorp
Classification: Uncertain significance for Brugada syndrome 4. Last evaluated: 2026-01-26. Review status: criteria provided, single submitter. Criteria: Invitae Variant Classification Sherloc (09022015). Collection method: clinical testing. Allele origin: germline.
Comment: This sequence change replaces alanine, which is neutral and non-polar, with valine, which is neutral and non-polar, at codon 298 of the CACNB2 protein (p.Ala298Val). This variant is present in population databases (rs144367884, gnomAD 0.07%), and has an allele count higher than expected for a pathogenic variant. This variant has not been reported in the literature in individuals affected with CACNB2-related conditions. ClinVar contains an entry for this variant (Variation ID: 537364). An algorithm developed to predict the effect of missense changes on protein structure and function (PolyPhen-2) suggests that this variant is likely to be tolerated. In summary, the available evidence is currently insufficient to determine the role of this variant in disease. Therefore, it has been classified as a Variant of Uncertain Significance.

PreventionGenetics, part of Exact Sciences
Classification: Likely benign for CACNB2-related condition. Last evaluated: 2025-08-12. Review status: criteria provided, single submitter. Criteria: ACMG Guidelines, 2015. Collection method: clinical testing. Allele origin: germline.
Comment: This variant is classified as likely benign based on ACMG/AMP sequence variant interpretation guidelines (Richards et al. 2015 PMID: 25741868, with internal and published modifications).

Ambry Genetics
Classification: Likely benign for Cardiovascular phenotype. Last evaluated: 2024-06-19. Review status: criteria provided, single submitter. Criteria: Ambry Variant Classification Scheme 2023. Collection method: clinical testing. Allele origin: germline.

Fulgent Genetics
Classification: Uncertain significance for Brugada syndrome 4. Last evaluated: 2021-08-27. Review status: criteria provided, single submitter. Criteria: ACMG Guidelines, 2015. Collection method: clinical testing. Allele origin: unknown.

Juno Genomics, Hangzhou Juno Genomics, Inc
Classification: Uncertain significance for Brugada syndrome 4. Review status: criteria provided, single submitter. Criteria: ACMG Guidelines, 2015. Collection method: clinical testing. Allele origin: germline.
Comment: Absent from controls (or at extremely low frequency if recessive) in Genome Aggregation Database.

NM_201596.3(CACNB2):c.1055C>T (p.Ala352Val)

Gene: CACNB2 (calcium voltage-gated channel auxiliary subunit beta 2; plus strand). Cytogenetic location: 10p12.31.
Variant type: single nucleotide variant.
Coding change: c.1055C>T on transcript NM_201596.3 (MANE Select); coding-DNA position 1055, C replaced by T.
Protein change: p.Ala352Val; replaces alanine 352 with valine.
Molecular consequence: missense variant.
Genome position (GRCh38, 1-based): chr10:18,534,076, C>T. VCF-style: chr10-18534076-C-T. GRCh37 (hg19) VCF-style: chr10-18823005-C-T.
Other names: c.890C>T, p.Ala297Val (NM_000724.4); c.857C>T, p.Ala286Val (NM_001167945.2); c.776C>T, p.Ala259Val (NM_001330060.2); c.911C>T, p.Ala304Val (NM_201570.3); c.971C>T, p.Ala324Val (NM_201571.4); c.899C>T, p.Ala300Val (NM_201572.4); c.893C>T, p.Ala298Val (NM_201590.3); c.941C>T, p.Ala314Val (NM_201593.3); and 1 more; short protein forms A298V, A352V, A314V, A259V, A297V, A304V, A286V, A300V.
Identifiers: ClinVar variation 537364 (VCV000537364.12), dbSNP rs144367884, ClinGen allele CA5429901.